The following is an entry in ClinVar:

ClinVar aggregate classification (germline): Uncertain significance (1 of 4 stars; one submission).

Conditions:
Fanconi anemia complementation group O. Also called: RAD51C-Related Fanconi Anemia. Identifiers: Orphanet 84, MedGen C3150653, MONDO:0013248, OMIM 613390.

Submission:

Labcorp Genetics (formerly Invitae), Labcorp
Classification: Uncertain significance for Fanconi anemia complementation group O. Last evaluated: 2025-02-28. Review status: criteria provided, single submitter. Criteria: Invitae Variant Classification Sherloc (09022015). Collection method: clinical testing. Allele origin: germline.
Comment: This sequence change replaces histidine, which is basic and polar, with asparagine, which is neutral and polar, at codon 233 of the RAD51C protein (p.His233Asn). This variant is not present in population databases (gnomAD no frequency). This variant has not been reported in the literature in individuals affected with RAD51C-related conditions. Invitae Evidence Modeling of protein sequence and biophysical properties (such as structural, functional, and spatial information, amino acid conservation, physicochemical variation, residue mobility, and thermodynamic stability) indicates that this missense variant is expected to disrupt RAD51C protein function with a positive predictive value of 80%. In summary, the available evidence is currently insufficient to determine the role of this variant in disease. Therefore, it has been classified as a Variant of Uncertain Significance.

NM_058216.3(RAD51C):c.697C>A (p.His233Asn)

Genes: RAD51C (RAD51 paralog C; plus strand), LOC129390903 (MPRA-validated peak2919 silencer; plus strand). Cytogenetic location: 17q22.
Variant type: single nucleotide variant.
Coding change: c.697C>A on transcript NM_058216.3 (MANE Select); coding-DNA position 697, C replaced by A.
Protein change: p.His233Asn; replaces histidine 233 with asparagine.
Molecular consequence: missense variant. On other transcripts: non-coding transcript variant (1).
Genome position (GRCh38, 1-based): chr17:58,703,321, C>A. VCF-style: chr17-58703321-C-A. GRCh37 (hg19) VCF-style: chr17-56780682-C-A.
Other names: short protein forms H233N.
Identifiers: ClinVar variation 4716859 (VCV004716859.1).